The following is an entry in ClinVar:

NM_000038.6(APC):c.7053T>C (p.Pro2351=)

Gene: APC (APC regulator of Wnt signaling pathway; plus strand). Cytogenetic location: 5q22.2.
Variant type: single nucleotide variant.
Coding change: c.7053T>C on transcript NM_000038.6 (MANE Select); coding-DNA position 7053, T replaced by C.
Protein change: p.Pro2351=; no amino-acid change (proline 2351 retained).
Molecular consequence: synonymous variant.
Genome position (GRCh38, 1-based): chr5:112,842,647, T>C. VCF-style: chr5-112842647-T-C. GRCh37 (hg19) VCF-style: chr5-112178344-T-C.
Other names: c.7053T>C, p.Pro2351= (NM_001127510.3, NM_001354895.2); c.6999T>C, p.Pro2333= (NM_001127511.3); c.7107T>C, p.Pro2369= (NM_001354896.2); c.7083T>C, p.Pro2361= (NM_001354897.2); c.6978T>C, p.Pro2326= (NM_001354898.2); c.6969T>C, p.Pro2323= (NM_001354899.2); c.6930T>C, p.Pro2310= (NM_001354900.2); c.6876T>C, p.Pro2292= (NM_001354901.2); and 5 more.
Identifiers: ClinVar variation 1665934 (VCV001665934.11), dbSNP rs2149979026, ClinGen allele CA446210805.

ClinVar aggregate classification (germline): Benign/Likely benign. Review status: criteria provided, multiple submitters, no conflicts (2 of 4 stars). 4 submissions from 4 submitters: Benign (1); Likely benign (3). Last evaluated 2025-12-29.

Conditions:
Hereditary cancer-predisposing syndrome. Also called: Hereditary neoplastic syndrome; Neoplastic Syndromes, Hereditary; Tumor predisposition; Hereditary Cancer Syndrome. Identifiers: Orphanet 140162, MedGen C0027672, MeSH D009386, MONDO:0015356.
Familial adenomatous polyposis 1 (FAP1). Also called: FAMILIAL ADENOMATOUS POLYPOSIS 1, ATTENUATED; POLYPOSIS, ADENOMATOUS INTESTINAL. Identifiers: MedGen C2713442, MONDO:0021056, OMIM 175100. Disease mechanism: loss of function.

Submissions (4):

Center for Genomic Medicine, Rigshospitalet, Copenhagen University Hospital
Classification: Likely benign. Last evaluated: 2025-12-29. Review status: criteria provided, single submitter. Criteria: ACMG Guidelines, 2015. Collection method: clinical testing. Allele origin: germline.
Comment: Classification criteria: BP4, BP7

Labcorp Genetics (formerly Invitae), Labcorp
Classification: Likely benign for Familial adenomatous polyposis 1. Last evaluated: 2025-08-27. Review status: criteria provided, single submitter. Criteria: Invitae Variant Classification Sherloc (09022015). Collection method: clinical testing. Allele origin: germline.

Myriad Genetics, Inc.
Classification: Benign for Familial adenomatous polyposis 1. Last evaluated: 2024-04-08. Review status: criteria provided, single submitter. Criteria: Myriad Autosomal Dominant, Autosomal Recessive and X-Linked Classification Criteria (2023). Collection method: clinical testing. Allele origin: unknown.
Comment: This variant is considered benign. This variant is a silent/synonymous amino acid change and it is not expected to impact splicing.

Color Diagnostics, LLC DBA Color Health
Classification: Likely benign for Hereditary cancer-predisposing syndrome. Last evaluated: 2023-08-31. Review status: criteria provided, single submitter. Criteria: ACMG Guidelines, 2015. Collection method: clinical testing. Allele origin: germline.